The following is an entry in ClinVar:

NM_006031.6(PCNT):c.2846T>C (p.Leu949Pro)

Gene: PCNT (pericentrin; plus strand). Cytogenetic location: 21q22.3.
Variant type: single nucleotide variant.
Coding change: c.2846T>C on transcript NM_006031.6 (MANE Select); coding-DNA position 2846, T replaced by C.
Protein change: p.Leu949Pro; replaces leucine 949 with proline.
Molecular consequence: missense variant.
Genome position (GRCh38, 1-based): chr21:46,366,820, T>C. VCF-style: chr21-46366820-T-C. GRCh37 (hg19) VCF-style: chr21-47786735-T-C.
Other names: c.2492T>C, p.Leu831Pro (NM_001315529.2); short protein forms L831P, L949P.
Identifiers: ClinVar variation 3344104 (VCV003344104.1).

ClinVar aggregate classification (germline): Uncertain significance (0 of 4 stars; one submission).

Conditions:
PCNT-related disorder. Also called: PCNT-related condition.

gnomAD v4.1: 1 of 1,613,960 alleles (0.000062%); highest among the groups gnomAD compares: South Asian, 0.0011%; no homozygotes.

Submission:

PreventionGenetics, part of Exact Sciences
Classification: Uncertain significance for PCNT-related condition. Last evaluated: 2024-04-06. Review status: no assertion criteria provided. Collection method: clinical testing. Allele origin: germline.
Comment: The PCNT c.2846T>C variant is predicted to result in the amino acid substitution p.Leu949Pro. To our knowledge, this variant has not been reported in the literature or in a large population database, indicating this variant is rare. At this time, the clinical significance of this variant is uncertain due to the absence of conclusive functional and genetic evidence.